The following is an entry in ClinVar:

ClinVar aggregate classification (germline): Likely pathogenic (1 of 4 stars; one submission).

Conditions:
Peroxisome biogenesis disorder, complementation group K (CGK). Identifiers: MedGen C1866257, MONDO:0800365.

Submission:

Labcorp Genetics (formerly Invitae), Labcorp
Classification: Likely pathogenic for Peroxisome biogenesis disorder, complementation group K. Last evaluated: 2024-01-15. Review status: criteria provided, single submitter. Criteria: Invitae Variant Classification Sherloc (09022015). Collection method: clinical testing. Allele origin: germline.
Comment: This variant results in the deletion of part of exon 4 (c.204_298+125delinsTATTCCTT) of the PEX14 gene. It is expected to disrupt RNA splicing. Variants that disrupt the donor or acceptor splice site typically lead to a loss of protein function (PMID: 16199547), and loss-of-function variants in PEX14 are known to be pathogenic (PMID: 15146459, 18285423, 26627464). This variant is not present in population databases (gnomAD no frequency). This variant has not been reported in the literature in individuals affected with PEX14-related conditions. In summary, the currently available evidence indicates that the variant is pathogenic, but additional data are needed to prove that conclusively. Therefore, this variant has been classified as Likely Pathogenic.

Literature cited by the submitters: PubMed 16199547; PubMed 15146459; PubMed 18285423; PubMed 26627464.

NM_004565.3(PEX14):c.204_298+125delinsTATTCCTT

Gene: PEX14 (peroxisomal biogenesis factor 14; plus strand). Cytogenetic location: 1p36.22.
Variant type: Indel.
Coding change: c.204_298+125delinsTATTCCTT on transcript NM_004565.3 (MANE Select); coding-DNA position 204 through 125 bases into the intron after coding-DNA position 298, the reference bases replaced by TATTCCTT.
Molecular consequence: splice donor variant.
Genome position (GRCh38, 1-based): chr1:10,599,272-10,599,491, 220 bases replaced. GRCh37 (hg19): chr1:10,659,329-10,659,548.
Identifiers: ClinVar variation 2709504 (VCV002709504.3), dbSNP rs2521665871, ClinGen allele CA2697552221.